The following is an entry in ClinVar:

ClinVar aggregate classification (germline): Conflicting classifications of pathogenicity. Review status: criteria provided, conflicting classifications (1 of 4 stars). 2 submissions from 2 submitters: Pathogenic (1); Uncertain significance (1). Last evaluated 2024-12-01.

Conditions:
Autosomal recessive ataxia, Beauce type. Also called: Spinocerebellar ataxia, autosomal recessive 8; SYNE1 Deficiency; SYNE1-Related Autosomal Recessive Cerebellar Ataxia; ATAXIA, RECESSIVE, OF BEAUCE. Identifiers: Orphanet 88644, MedGen C1853116, MONDO:0012549, OMIM 610743.

Submissions (2):

CeGaT Center for Human Genetics Tuebingen
Classification: Uncertain significance. Last evaluated: 2024-12-01. Review status: criteria provided, single submitter. Criteria: CeGaT Center For Human Genetics Tuebingen Variant Classification Criteria Version 2. Collection method: clinical testing. Allele origin: germline. Affected: yes. Observed: 1 variant allele.
Comment: SYNE1: PM2, PVS1:Moderate

Genomic Research Center, Shahid Beheshti University of Medical Sciences
Classification: Pathogenic for Spinocerebellar ataxia, autosomal recessive 8. Last evaluated: 2019-01-01. Review status: criteria provided, single submitter. Criteria: ACMG Guidelines, 2015. Collection method: research. Allele origin: unknown. Affected: no. Observed: 1 variant allele.

NM_182961.4(SYNE1):c.18012+1G>T

Gene: SYNE1 (spectrin repeat containing nuclear envelope protein 1; minus strand). Cytogenetic location: 6q25.2.
Variant type: single nucleotide variant.
Coding change: c.18012+1G>T on transcript NM_182961.4 (MANE Select); the canonical splice donor site of the intron after coding-DNA position 18012, G replaced by T.
Molecular consequence: splice donor variant.
Genome position (GRCh38, 1-based): chr6:152,293,587, C>A on the plus strand (G>T on the coding strand, the complement: SYNE1 is on the minus strand). VCF-style: chr6-152293587-C-A. GRCh37 (hg19) VCF-style: chr6-152614722-C-A.
Other names: c.17799+1G>T (NM_033071.5).
Identifiers: ClinVar variation 634534 (VCV000634534.17), dbSNP rs1562842409, ClinGen allele CA366099678.
Genomic context (GRCh38, chr6:152,293,587, plus strand): 5'-AACCAGTCACAACAGTGCCTTATTCAATCAAGTAGGAAACTGAAGTCATGGCTATTTGTA[C>A]CTGATGTTCAGCCATCTGGCTTTCTGGACTCCTGCCAGGCTCTGGGCTCTCACTGAGTTT-3'